The following is an entry in ClinVar:

NM_001330260.2(SCN8A):c.3096G>T (p.Lys1032Asn)

Gene: SCN8A (sodium voltage-gated channel alpha subunit 8; plus strand). Cytogenetic location: 12q13.13.
Variant type: single nucleotide variant.
Coding change: c.3096G>T on transcript NM_001330260.2 (MANE Select); coding-DNA position 3096, G replaced by T.
Protein change: p.Lys1032Asn; replaces lysine 1032 with asparagine.
Molecular consequence: missense variant.
Genome position (GRCh38, 1-based): chr12:51,769,059, G>T. VCF-style: chr12-51769059-G-T. GRCh37 (hg19) VCF-style: chr12-52162843-G-T.
Other names: c.3096G>T, p.Lys1032Asn (NM_001177984.3, NM_001369788.1, NM_014191.4); short protein forms K1032N.
Identifiers: ClinVar variation 2629005 (VCV002629005.1), dbSNP rs2540266255, ClinGen allele CA384892409.

ClinVar aggregate classification (germline): Uncertain significance (1 of 4 stars; one submission).

Conditions:
SCN8A-related disorder.

Submission:

PreventionGenetics, part of Exact Sciences
Classification: Uncertain significance for SCN8A-related condition. Last evaluated: 2023-02-07. Review status: criteria provided, single submitter. Criteria: ACMG Guidelines, 2015. Collection method: clinical testing. Allele origin: germline.
Comment: The SCN8A c.3096G>T variant is predicted to result in the amino acid substitution p.Lys1032Asn. To our knowledge, this variant has not been reported in the literature or in a large population database, indicating this variant is rare. At this time, the clinical significance of this variant is uncertain due to the absence of conclusive functional and genetic evidence.